The following is an entry in ClinVar:

NM_006662.3(SRCAP):c.7229dup (p.Asn2410fs)

Gene: SRCAP (Snf2 related CREBBP activator protein; plus strand). Cytogenetic location: 16p11.2.
Variant type: Duplication.
Coding change: c.7229dup on transcript NM_006662.3 (MANE Select); coding-DNA position 7229, one base duplicated (A; older notation c.7229dupA).
Protein change: p.Asn2410fs; shifts the reading frame from asparagine 2410.
Molecular consequence: frameshift variant.
Genome position (GRCh38, 1-based): chr16:30,737,269, A duplicated; the last of 3 consecutive A bases (chr16:30,737,267-30,737,269); duplicating any one gives the same sequence. VCF-style (leftmost placement, unchanged base first): chr16-30737266-C-CA. GRCh37 (hg19) VCF-style: chr16-30748587-C-CA.
Other names: short protein forms N2410fs.
Identifiers: ClinVar variation 3363407 (VCV003363407.2).

ClinVar aggregate classification (germline): Pathogenic (1 of 4 stars; one submission).

Submission:

GeneDx
Classification: Pathogenic. Last evaluated: 2026-09-23. Review status: criteria provided, single submitter. Criteria: GeneDx Variant Classification Process June 2021. Collection method: clinical testing. Allele origin: germline.
Comment: Frameshift variant predicted to result in abnormal protein length as the last 821 amino acid(s) are replaced with 32 different amino acid(s), and other similar variants have been reported in HGMD; Not observed at significant frequency in large population cohorts (gnomAD); This variant is associated with the following publications: (PMID: 31715605, 22965468)